The following is an entry in ClinVar:

ClinVar aggregate classification (germline): Uncertain significance (1 of 4 stars; one submission).

Allele frequency attached by ClinVar (database versions not stated): gnomAD 0.00001; gnomAD exomes 0.00001 and 0.00002; TOPMed 0.00001.
gnomAD v4.1: 14 of 1,614,010 alleles (0.00087%); highest among the groups gnomAD compares: East Asian, 0.0022%; no homozygotes.

Submission:

Labcorp Genetics (formerly Invitae), Labcorp
Classification: Uncertain significance. Last evaluated: 2022-06-19. Review status: criteria provided, single submitter. Criteria: Invitae Variant Classification Sherloc (09022015). Collection method: clinical testing. Allele origin: germline.
Comment: This sequence change replaces alanine, which is neutral and non-polar, with valine, which is neutral and non-polar, at codon 1380 of the LAMC3 protein (p.Ala1380Val). This variant is present in population databases (rs376347098, gnomAD 0.003%). This variant has not been reported in the literature in individuals affected with LAMC3-related conditions. Algorithms developed to predict the effect of missense changes on protein structure and function output the following: SIFT: "Tolerated"; PolyPhen-2: "Benign"; Align-GVGD: "Class C0". The valine amino acid residue is found in multiple mammalian species, which suggests that this missense change does not adversely affect protein function. Algorithms developed to predict the effect of sequence changes on RNA splicing suggest that this variant may create or strengthen a splice site. In summary, the available evidence is currently insufficient to determine the role of this variant in disease. Therefore, it has been classified as a Variant of Uncertain Significance.

NM_006059.4(LAMC3):c.4139C>T (p.Ala1380Val)

Gene: LAMC3 (laminin subunit gamma 3; plus strand). Cytogenetic location: 9q34.12.
Variant type: single nucleotide variant.
Coding change: c.4139C>T on transcript NM_006059.4 (MANE Select); coding-DNA position 4139, C replaced by T.
Protein change: p.Ala1380Val; replaces alanine 1380 with valine.
Molecular consequence: missense variant.
Genome position (GRCh38, 1-based): chr9:131,085,632, C>T. VCF-style: chr9-131085632-C-T. GRCh37 (hg19) VCF-style: chr9-133961019-C-T.
Other names: short protein forms A1380V.
Identifiers: ClinVar variation 1503048 (VCV001503048.3), dbSNP rs376347098, ClinGen allele CA200681005.